The following is an entry in ClinVar:

ClinVar aggregate classification (germline): Conflicting classifications of pathogenicity. Review status: criteria provided, conflicting classifications (1 of 4 stars). 7 submissions from 7 submitters: Uncertain significance (4); Likely benign (2). 1 of the submissions does not count toward it. Last evaluated 2026-01-26.

Conditions:
Hereditary cancer-predisposing syndrome. Also called: Hereditary Cancer Syndrome; Neoplastic Syndromes, Hereditary; Tumor predisposition; Hereditary neoplastic syndrome. Identifiers: Orphanet 140162, MedGen C0027672, MeSH D009386, MONDO:0015356.
Fanconi anemia complementation group J. Also called: BRIP1-Related Fanconi Anemia. Identifiers: Orphanet 84, MedGen C1836860, MONDO:0012187, OMIM 609054.
Familial cancer of breast. Also called: Hereditary breast cancer; hereditary breast carcinoma; BREAST CANCER, FAMILIAL. Identifiers: Orphanet 227535, MedGen C0346153, MONDO:0016419, OMIM 114480. Disease mechanism: loss of function.
Malignant tumor of breast. Also called: Malignant breast neoplasm; Cancer breast. Identifiers: MedGen C0006142, MONDO:0007254. Disease mechanism: loss of function.

Allele frequency attached by ClinVar (database versions not stated): gnomAD 0.00001; TOPMed 0.00002.
gnomAD v4.1: 33 of 1,610,412 alleles (0.002%); highest among the groups gnomAD compares: Non-Finnish European, 0.0025%; no homozygotes.

Submissions (7):

Labcorp Genetics (formerly Invitae), Labcorp
Classification: Uncertain significance for Familial cancer of breast; Fanconi anemia complementation group J. Last evaluated: 2026-01-26. Review status: criteria provided, single submitter. Criteria: Invitae Variant Classification Sherloc (09022015). Collection method: clinical testing. Allele origin: germline.
Comment: This sequence change replaces methionine, which is neutral and non-polar, with valine, which is neutral and non-polar, at codon 4 of the BRIP1 protein (p.Met4Val). This variant is present in population databases (rs45512093, gnomAD 0.003%). This missense change has been observed in individual(s) with a personal or family history of breast and/or ovarian cancer or clinical features of Lynch syndrome (PMID: 25980754, 26921362, 31159747, 31742824). ClinVar contains an entry for this variant (Variation ID: 232285). Invitae Evidence Modeling of protein sequence and biophysical properties (such as structural, functional, and spatial information, amino acid conservation, physicochemical variation, residue mobility, and thermodynamic stability) indicates that this missense variant is not expected to disrupt BRIP1 protein function with a negative predictive value of 95%. In summary, the available evidence is currently insufficient to determine the role of this variant in disease. Therefore, it has been classified as a Variant of Uncertain Significance.

Women's Health and Genetics/Laboratory Corporation of America, LabCorp
Classification: Uncertain significance. Last evaluated: 2025-06-09. Review status: criteria provided, single submitter. Criteria: LabCorp Variant Classification Summary - May 2015. Collection method: clinical testing. Allele origin: germline.
Comment: Variant summary: BRIP1 c.10A>G (p.Met4Val) results in a conservative amino acid change in the encoded protein sequence. Algorithms developed to predict the effect of missense changes on protein structure and function all suggest that this variant is likely to be tolerated. The variant allele was found at a frequency of 4e-06 in 251232 control chromosomes. The available data on variant occurrences in the general population are insufficient to allow any conclusion about variant significance.c.10A>G has been reported in the literature in individuals with a diagnosis of or predisposition to hereditary cancer (e.g. Tsaousis_2019, Shao_2020). These report(s) do not provide unequivocal conclusions about association of the variant with Fanconi Anemia Complementation Group J. To our knowledge, no experimental evidence demonstrating an impact on protein function has been reported. The following publications have been ascertained in the context of this evaluation (PMID: 31742824, 31159747). ClinVar contains an entry for this variant (Variation ID: 232285). Based on the evidence outlined above, the variant was classified as uncertain significance.

Color Diagnostics, LLC DBA Color Health
Classification: Likely benign for Hereditary cancer-predisposing syndrome. Last evaluated: 2024-09-19. Review status: criteria provided, single submitter. Criteria: ACMG Guidelines, 2015. Collection method: clinical testing. Allele origin: germline.

GeneDx
Classification: Uncertain significance. Last evaluated: 2023-02-28. Review status: criteria provided, single submitter. Criteria: GeneDx Variant Classification Process June 2021. Collection method: clinical testing. Allele origin: germline. Affected: yes.
Comment: Not observed at significant frequency in large population cohorts (gnomAD); In silico analysis supports that this missense variant does not alter protein structure/function; Observed in individuals with breast cancer or a history of Lynch syndrome-associated cancer and/or colon polyps (Yurgelun et al., 2015; Easton et al., 2016); This variant is associated with the following publications: (PMID: 25980754, 31159747, 26921362, 31742824)

Ambry Genetics
Classification: Likely benign for Hereditary cancer-predisposing syndrome. Last evaluated: 2018-10-12. Review status: criteria provided, single submitter. Criteria: Ambry Variant Classification Scheme 2023. Collection method: clinical testing. Allele origin: germline.

GeneKor MSA
Classification: Uncertain significance for Hereditary cancer-predisposing syndrome. Last evaluated: 2018-08-01. Review status: criteria provided, single submitter. Criteria: ACMG Guidelines, 2015. Collection method: clinical testing. Allele origin: germline.

Department of Pathology and Laboratory Medicine, Sinai Health System
Classification: Uncertain significance for Malignant tumor of breast. Review status: no assertion criteria provided. Collection method: clinical testing. Allele origin: unknown. Affected: yes. Observed: 1 variant allele. Study: The Canadian Open Genetics Repository (COGR). Not counted in ClinVar's aggregate classification.
Comment: The BRIP1 p.Met4Val variant was identified in 2 of 5146 proband chromosomes (frequency: 0.0004) from individuals or families with breast cancer or lynch syndrome and was not identified in 2246 control chromosomes from healthy individuals (Easton 2016, Yurgelun 2015). The variant was also identified in dbSNP (ID: rs45512093) as "With Uncertain significance allele", ClinVar (classified as likely benign by Ambry Genetics; as uncertain significance by Invitae), MutDB, and in the Zhejiang University database. The variant was identified in control databases in 2 of 277002 chromosomes at a frequency of 0.00001 (Genome Aggregation Database Feb 27, 2017). It was observed in the following populations: European in 1 of 126564 chromosomes (freq: 0.00001), and South Asian in 1 of 30780 chromosomes (freq: 0.00003); but was not observed in the African, Other, Latino, Ashkenazi Jewish, East Asian, and Finnish populations. The p.Met4 residue is not conserved in mammals and computational analyses (PolyPhen-2, SIFT, AlignGVGD, BLOSUM, MutationTaster) do not suggest a high likelihood of impact to the protein; however, this information is not predictive enough to rule out pathogenicity. The variant occurs outside of the splicing consensus sequence and 2 of 5 in silico or computational prediction software programs (SpliceSiteFinder, MaxEntScan, NNSPLICE, GeneSplicer, HumanSpliceFinder) predict a greater than 10% difference in splicing; this is not very predictive of pathogenicity. In summary, based on the above information the clinical significance of this variant cannot be determined with certainty at this time. This variant is classified as a variant of uncertain significance.

Literature cited by the submitters: PubMed 25980754 (cited by Labcorp Genetics (formerly Invitae), Labcorp and Ambry Genetics); PubMed 26921362 (cited by Labcorp Genetics (formerly Invitae), Labcorp); PubMed 31159747 (cited by Labcorp Genetics (formerly Invitae), Labcorp and Women's Health and Genetics/Laboratory Corporation of America, LabCorp); PubMed 31742824 (cited by Labcorp Genetics (formerly Invitae), Labcorp and Women's Health and Genetics/Laboratory Corporation of America, LabCorp).

NM_032043.3(BRIP1):c.10A>G (p.Met4Val)

Gene: BRIP1 (BRCA1 interacting DNA helicase 1; minus strand). Cytogenetic location: 17q23.2.
Variant type: single nucleotide variant.
Coding change: c.10A>G on transcript NM_032043.3 (MANE Select); coding-DNA position 10, A replaced by G.
Protein change: p.Met4Val; replaces methionine 4 with valine.
Molecular consequence: missense variant.
Genome position (GRCh38, 1-based): chr17:61,861,530, T>C on the plus strand (A>G on the coding strand, the complement: BRIP1 is on the minus strand). VCF-style: chr17-61861530-T-C. GRCh37 (hg19) VCF-style: chr17-59938891-T-C.
Other names: short protein forms M4V.
Identifiers: ClinVar variation 232285 (VCV000232285.22), dbSNP rs45512093, ClinGen allele CA10580900.